The following is an entry in ClinVar:

NM_002439.5(MSH3):c.1834G>C (p.Glu612Gln)

Gene: MSH3 (mutS homolog 3; plus strand). Cytogenetic location: 5q14.1.
Variant type: single nucleotide variant.
Coding change: c.1834G>C on transcript NM_002439.5 (MANE Select); coding-DNA position 1834, G replaced by C.
Protein change: p.Glu612Gln; replaces glutamic acid 612 with glutamine.
Molecular consequence: missense variant.
Genome position (GRCh38, 1-based): chr5:80,761,616, G>C. VCF-style: chr5-80761616-G-C. GRCh37 (hg19) VCF-style: chr5-80057435-G-C.
Other names: short protein forms E612Q.
Identifiers: ClinVar variation 1781020 (VCV001781020.2), dbSNP rs759247521, ClinGen allele CA360276611.
Genomic context (GRCh38, chr5:80,761,616, plus strand): 5'-GCCCGGCTTGATGCTGTATCGGAAGTTCTCCATTCAGAATCTAGTGTGTTTGGTCAGATA[G>C]AAAATCATCTACGTAAATTGCCCGACATAGAGAGGGGACTCTGTAGCATTTATCACAAAA-3'
Protein context (NP_002430.3, residues 602-622): HSESSVFGQI[Glu612Gln]NHLRKLPDIE

ClinVar aggregate classification (germline): Uncertain significance (1 of 4 stars; one submission).

Conditions:
Hereditary cancer-predisposing syndrome. Also called: Neoplastic Syndromes, Hereditary; Tumor predisposition; Hereditary Cancer Syndrome; Hereditary neoplastic syndrome. Identifiers: Orphanet 140162, MedGen C0027672, MeSH D009386, MONDO:0015356.

Submission:

Ambry Genetics
Classification: Uncertain significance for Hereditary cancer-predisposing syndrome. Last evaluated: 2021-12-29. Review status: criteria provided, single submitter. Criteria: Ambry Variant Classification Scheme 2023. Collection method: clinical testing. Allele origin: germline.
Comment: The p.E612Q variant (also known as c.1834G>C), located in coding exon 13 of the MSH3 gene, results from a G to C substitution at nucleotide position 1834. The glutamic acid at codon 612 is replaced by glutamine, an amino acid with highly similar properties. This amino acid position is conserved. In addition, this alteration is predicted to be tolerated by in silico analysis. Since supporting evidence is limited at this time, the clinical significance of this alteration remains unclear.